The following is an entry in ClinVar:

NM_198576.4(AGRN):c.3427G>A (p.Val1143Ile)

Gene: AGRN (agrin; plus strand). Cytogenetic location: 1p36.33.
Variant type: single nucleotide variant.
Coding change: c.3427G>A on transcript NM_198576.4 (MANE Select); coding-DNA position 3427, G replaced by A.
Protein change: p.Val1143Ile; replaces valine 1143 with isoleucine.
Molecular consequence: missense variant.
Genome position (GRCh38, 1-based): chr1:1,047,365, G>A. VCF-style: chr1-1047365-G-A. GRCh37 (hg19) VCF-style: chr1-982745-G-A.
Other names: c.3427G>A, p.Val1143Ile (NM_001305275.2); c.3112G>A, p.Val1038Ile (NM_001364727.2); short protein forms V1143I, V1038I.
Identifiers: ClinVar variation 2174676 (VCV002174676.1), dbSNP rs745872884, ClinGen allele CA509070.

ClinVar aggregate classification (germline): Uncertain significance (1 of 4 stars; one submission).

Conditions:
Congenital myasthenic syndrome 8. Also called: Myasthenic syndrome, congenital, 8, with pre- and postsynaptic defects; MYASTHENIC SYNDROME, CONGENITAL, DUE TO AGRIN DEFICIENCY. Identifiers: Orphanet 590, MedGen C3808739, MONDO:0014052, OMIM 615120.

Allele frequency attached by ClinVar (database versions not stated): ExAC 0.00001; gnomAD exomes 0.00001; gnomAD 0.00002; TOPMed 0.00002.
gnomAD v4.1: 23 of 1,609,612 alleles (0.0014%); highest among the groups gnomAD compares: Admixed American, 0.005%; no homozygotes.

Submission:

Labcorp Genetics (formerly Invitae), Labcorp
Classification: Uncertain significance for Congenital myasthenic syndrome 8. Last evaluated: 2022-01-27. Review status: criteria provided, single submitter. Criteria: Invitae Variant Classification Sherloc (09022015). Collection method: clinical testing. Allele origin: germline.
Comment: This sequence change replaces valine, which is neutral and non-polar, with isoleucine, which is neutral and non-polar, at codon 1143 of the AGRN protein (p.Val1143Ile). This variant is present in population databases (rs745872884, gnomAD 0.003%). This variant has not been reported in the literature in individuals affected with AGRN-related conditions. Algorithms developed to predict the effect of missense changes on protein structure and function are either unavailable or do not agree on the potential impact of this missense change (SIFT: "Tolerated"; PolyPhen-2: "Probably Damaging"; Align-GVGD: "Class C0"). In summary, the available evidence is currently insufficient to determine the role of this variant in disease. Therefore, it has been classified as a Variant of Uncertain Significance.